The following is an entry in ClinVar:

NM_153240.5(NPHP3):c.742C>T (p.Gln248Ter)

Genes: NPHP3 (nephrocystin 3; minus strand), NPHP3-ACAD11 (NPHP3-ACAD11 readthrough (NMD candidate); minus strand). Cytogenetic location: 3q22.1.
Variant type: single nucleotide variant.
Coding change: c.742C>T on transcript NM_153240.5 (MANE Select); coding-DNA position 742, C replaced by T.
Protein change: p.Gln248Ter; replaces glutamine 248 with a stop codon.
Molecular consequence: nonsense. On other transcripts: non-coding transcript variant (1).
Genome position (GRCh38, 1-based): chr3:132,716,838, G>A on the plus strand (C>T on the coding strand, the complement: NPHP3 is on the minus strand). VCF-style: chr3-132716838-G-A. GRCh37 (hg19) VCF-style: chr3-132435682-G-A.
Other names: short protein forms Q248*.
Identifiers: ClinVar variation 3344254 (VCV003344254.1).

ClinVar aggregate classification (germline): Likely pathogenic (0 of 4 stars; one submission).

Conditions:
NPHP3-related disorder. Also called: NPHP3-related disorders; NPHP3-related condition. Identifiers: MedGen CN379163.

Submission:

PreventionGenetics, part of Exact Sciences
Classification: Likely pathogenic for NPHP3-related condition. Last evaluated: 2024-09-16. Review status: no assertion criteria provided. Collection method: clinical testing. Allele origin: germline.
Comment: The NPHP3 c.742C>T variant is predicted to result in premature protein termination (p.Gln248*). To our knowledge, this variant has not been reported in the literature or in a large population database, indicating this variant is rare. Nonsense variants in NPHP3 are expected to be pathogenic. This variant is interpreted as likely pathogenic.